The following is an entry in ClinVar:

NM_203288.2(RP9):c.290G>A (p.Gly97Glu)

Gene: RP9 (RP9 pre-mRNA splicing factor; minus strand). Cytogenetic location: 7p14.3.
Variant type: single nucleotide variant.
Coding change: c.290G>A on transcript NM_203288.2 (MANE Select); coding-DNA position 290, G replaced by A.
Protein change: p.Gly97Glu; replaces glycine 97 with glutamic acid.
Molecular consequence: missense variant.
Genome position (GRCh38, 1-based): chr7:33,099,330, C>T on the plus strand (G>A on the coding strand, the complement: RP9 is on the minus strand). VCF-style: chr7-33099330-C-T. GRCh37 (hg19) VCF-style: chr7-33138942-C-T.
Other names: c.290G>A (NM_203288.1); short protein forms G97E.
Identifiers: ClinVar variation 593532 (VCV000593532.10), dbSNP rs936809079, ClinGen allele CA156255436.

ClinVar aggregate classification (germline): Uncertain significance. Review status: criteria provided, multiple submitters, no conflicts (2 of 4 stars). 3 submissions from 3 submitters: Uncertain significance (3). Last evaluated 2025-08-09.

Allele frequency attached by ClinVar (database versions not stated): TOPMed below 0.00001; gnomAD 0.00001.
gnomAD v4.1: 1 of 1,613,364 alleles (0.000062%); highest among the groups gnomAD compares: Non-Finnish European, 0.000085%; no homozygotes.

Submissions (3):

Ambry Genetics
Classification: Uncertain significance. Last evaluated: 2025-08-09. Review status: criteria provided, single submitter. Criteria: Ambry Variant Classification Scheme 2023. Collection method: clinical testing. Allele origin: germline.

Labcorp Genetics (formerly Invitae), Labcorp
Classification: Uncertain significance. Last evaluated: 2022-12-12. Review status: criteria provided, single submitter. Criteria: Invitae Variant Classification Sherloc (09022015). Collection method: clinical testing. Allele origin: germline.
Comment: This sequence change replaces glycine, which is neutral and non-polar, with glutamic acid, which is acidic and polar, at codon 97 of the RP9 protein (p.Gly97Glu). This variant is not present in population databases (gnomAD no frequency). This variant has not been reported in the literature in individuals affected with RP9-related conditions. ClinVar contains an entry for this variant (Variation ID: 593532). Algorithms developed to predict the effect of missense changes on protein structure and function are either unavailable or do not agree on the potential impact of this missense change (SIFT: "Deleterious"; PolyPhen-2: "Benign"; Align-GVGD: "Class C65"). In summary, the available evidence is currently insufficient to determine the role of this variant in disease. Therefore, it has been classified as a Variant of Uncertain Significance.

Eurofins Ntd Llc (ga)
Classification: Uncertain significance. Last evaluated: 2017-08-21. Review status: criteria provided, single submitter. Criteria: EGL Classification Definitions 2015. Collection method: clinical testing. Allele origin: germline. Observed: 1 variant allele, 1 heterozygote.